The following is an entry in ClinVar:

ClinVar aggregate classification (germline): Uncertain significance (1 of 4 stars; one submission).

Conditions:
Neuropathy, hereditary sensory and autonomic, type 2A (HSAN2A). Also called: ACROOSTEOLYSIS, GIACCAI TYPE; ACROOSTEOLYSIS, NEUROGENIC; MORVAN DISEASE; NEUROPATHY, CONGENITAL SENSORY; NEUROPATHY, HEREDITARY SENSORY RADICULAR, AUTOSOMAL RECESSIVE; NEUROPATHY, HEREDITARY SENSORY, TYPE IIA. Identifiers: Orphanet 970, MedGen C2752089, MONDO:0024309, OMIM 201300.
Pseudohypoaldosteronism type 2C (PHA2C). Also called: Pseudohypoaldosteronism Type IIC. Identifiers: Orphanet 757, Orphanet 88940, MedGen C1840391, MONDO:0013778, OMIM 614492.

Submission:

Labcorp Genetics (formerly Invitae), Labcorp
Classification: Uncertain significance for Neuropathy, hereditary sensory and autonomic, type 2A; Pseudohypoaldosteronism type 2C. Last evaluated: 2022-01-15. Review status: criteria provided, single submitter. Criteria: Invitae Variant Classification Sherloc (09022015). Collection method: clinical testing. Allele origin: germline.
Comment: In summary, the available evidence is currently insufficient to determine the role of this variant in disease. Therefore, it has been classified as a Variant of Uncertain Significance. Experimental studies and prediction algorithms are not available or were not evaluated, and the functional significance of this variant is currently unknown. This variant has not been reported in the literature in individuals affected with WNK1-related conditions. This variant results in a copy number gain of the genomic region encompassing exon(s) 2-28 of the WNK1 gene. This region includes the termination codon of the gene. This copy number gain extends beyond the assayed region for this gene and therefore may encompass additional genes. As the precise location of this event is unknown, it may be in tandem or it may be located elsewhere in the genome.

NC_000012.11:g.(?_922788)_(1017958_?)dup

Gene: WNK1 (WNK lysine deficient protein kinase 1; plus strand). Cytogenetic location: 12p13.33.
Variant type: Duplication.
Identifiers: ClinVar variation 2427790 (VCV002427790.4).